The following is an entry in ClinVar:

ClinVar aggregate classification (germline): Uncertain significance (1 of 4 stars; one submission).

Conditions:
Epidermodysplasia verruciformis. Identifiers: Orphanet 302, MedGen C0014522, MONDO:0009176.

Allele frequency attached by ClinVar (database versions not stated): 1000 Genomes Project 0.00020; TOPMed 0.00005; ExAC 0.00012; 1000 Genomes Project 30x 0.00031; gnomAD 0.00005; ESP Exome Variant Server 0.00008; gnomAD exomes 0.00010.
gnomAD v4.1: 111 of 1,613,326 alleles (0.0069%); highest among the groups gnomAD compares: East Asian, 0.069%; no homozygotes.

Submission:

Labcorp Genetics (formerly Invitae), Labcorp
Classification: Uncertain significance for Epidermodysplasia verruciformis. Last evaluated: 2022-09-01. Review status: criteria provided, single submitter. Criteria: Invitae Variant Classification Sherloc (09022015). Collection method: clinical testing. Allele origin: germline.
Comment: This sequence change replaces arginine, which is basic and polar, with cysteine, which is neutral and slightly polar, at codon 531 of the TMC6 protein (p.Arg531Cys). This variant is present in population databases (rs139049167, gnomAD 0.09%). This variant has not been reported in the literature in individuals affected with TMC6-related conditions. ClinVar contains an entry for this variant (Variation ID: 933852). Algorithms developed to predict the effect of missense changes on protein structure and function are either unavailable or do not agree on the potential impact of this missense change (SIFT: "Not Available"; PolyPhen-2: "Probably Damaging"; Align-GVGD: "Not Available"). In summary, the available evidence is currently insufficient to determine the role of this variant in disease. Therefore, it has been classified as a Variant of Uncertain Significance.

NM_001127198.5(TMC6):c.1591C>T (p.Arg531Cys)

Gene: TMC6 (transmembrane channel like 6; minus strand). Cytogenetic location: 17q25.3.
Variant type: single nucleotide variant.
Coding change: c.1591C>T on transcript NM_001127198.5 (MANE Select); coding-DNA position 1591, C replaced by T.
Protein change: p.Arg531Cys; replaces arginine 531 with cysteine.
Molecular consequence: missense variant. On other transcripts: intron variant (2).
Genome position (GRCh38, 1-based): chr17:78,120,777, G>A on the plus strand (C>T on the coding strand, the complement: TMC6 is on the minus strand). VCF-style: chr17-78120777-G-A. GRCh37 (hg19) VCF-style: chr17-76116858-G-A.
Other names: c.1591C>T, p.Arg531Cys (NM_001321185.1, NM_001374596.1, NM_001375353.1 and 2 more transcripts); c.1535+236C>T (NM_001374594.1, NM_001374593.1); short protein forms R531C.
Identifiers: ClinVar variation 933852 (VCV000933852.7), dbSNP rs139049167, ClinGen allele CA8795674.
Genomic context (GRCh38, chr17:78,120,777, plus strand): 5'-GGTACAGCTCCTGGCCCACAAAATCCTCCCAGCACTGGCCCTGCAGGACGCCCACCCTGC[G>A]GCCCAGCCAGTGGTAGCACAGTGTCCCCAGGATGGCCAGCTTGAGGATGAGGTTCCTGCG-3'
Protein context (NP_001120670.1, residues 521-541): LGTLCYHWLG[Arg531Cys]RVGVLQGQCW